The following is an entry in ClinVar:

ClinVar aggregate classification (germline): Uncertain significance. Review status: criteria provided, multiple submitters, no conflicts (2 of 4 stars). 2 submissions from 2 submitters: Uncertain significance (2). Last evaluated 2026-02-24.

Conditions:
PLEC-related disorder. Also called: PLEC-related disorders; PLEC-related condition.
Epidermolysis bullosa simplex, Ogna type (EBS5A). Also called: Pidermolysis bullosa simplex 5A, Ogna type; EPIDERMOLYSIS BULLOSA SIMPLEX 5A, OGNA TYPE. Identifiers: Orphanet 79401, MedGen C0432317, MONDO:0007555, OMIM 131950.
Epidermolysis bullosa simplex 5B, with muscular dystrophy (EBS5B). Also called: Epidermolysis bullosa simplex with muscular dystrophy; EPIDERMOLYSIS BULLOSA SIMPLEX AND LIMB-GIRDLE MUSCULAR DYSTROPHY. Identifiers: Orphanet 257, MedGen C2931072, MONDO:0009181, OMIM 226670.
Epidermolysis bullosa simplex with nail dystrophy (EBS5D). Identifiers: MedGen C4225309, MONDO:0014661, OMIM 616487.
Autosomal recessive limb-girdle muscular dystrophy type 2Q (LGMDR17). Also called: MUSCULAR DYSTROPHY, LIMB-GIRDLE, AUTOSOMAL RECESSIVE 17. Identifiers: Orphanet 254361, MedGen C3150989, MONDO:0013390, OMIM 613723.
Epidermolysis bullosa simplex 5C, with pyloric atresia (EBS5C). Also called: PLEC-Related Epidermolysis Bullosa with Pyloric Atresia; Epidermolysis bullosa simplex with pyloric atresia; PLEC1-Related Epidermolysis Bullosa with Pyloric Atresia. Identifiers: Orphanet 158684, MedGen C2677349, MONDO:0012807, OMIM 612138.

Allele frequency attached by ClinVar (database versions not stated): TOPMed 0.00003; gnomAD exomes 0.00010; ExAC 0.00017.
gnomAD v4.1: 87 of 1,584,958 alleles (0.0055%); highest among the groups gnomAD compares: Admixed American, 0.034%; 1 homozygote.

Submissions (2):

PreventionGenetics, part of Exact Sciences
Classification: Uncertain significance for PLEC-related condition. Last evaluated: 2026-02-24. Review status: criteria provided, single submitter. Criteria: ACMG Guidelines, 2015. Collection method: clinical testing. Allele origin: germline.
Comment: The PLEC c.5092C>T variant is predicted to result in the amino acid substitution p.Arg1698Cys. To our knowledge, this variant has not been reported in the literature. This variant is reported in 0.024% of alleles in individuals of Latino descent in gnomAD. At this time, the clinical significance of this variant is uncertain due to the absence of conclusive functional and genetic evidence.

Labcorp Genetics (formerly Invitae), Labcorp
Classification: Uncertain significance for Autosomal recessive limb-girdle muscular dystrophy type 2Q; Epidermolysis bullosa simplex, Ogna type; Epidermolysis bullosa simplex with nail dystrophy; Epidermolysis bullosa simplex 5C, with pyloric atresia; Epidermolysis bullosa simplex 5B, with muscular dystrophy. Last evaluated: 2025-12-27. Review status: criteria provided, single submitter. Criteria: Invitae Variant Classification Sherloc (09022015). Collection method: clinical testing. Allele origin: germline.
Comment: This sequence change replaces arginine, which is basic and polar, with cysteine, which is neutral and slightly polar, at codon 1698 of the PLEC protein (p.Arg1698Cys). This variant is present in population databases (rs782189427, gnomAD 0.02%), including at least one homozygous and/or hemizygous individual. This variant has not been reported in the literature in individuals affected with PLEC-related conditions. ClinVar contains an entry for this variant (Variation ID: 963468). Experimental studies and prediction algorithms are not available or were not evaluated, and the functional significance of this variant is currently unknown. In summary, the available evidence is currently insufficient to determine the role of this variant in disease. Therefore, it has been classified as a Variant of Uncertain Significance.

NM_201384.3(PLEC):c.5011C>T (p.Arg1671Cys)

Gene: PLEC (plectin; minus strand). Cytogenetic location: 8q24.3.
Variant type: single nucleotide variant.
Coding change: c.5011C>T on transcript NM_201384.3 (MANE Select); coding-DNA position 5011, C replaced by T.
Protein change: p.Arg1671Cys; replaces arginine 1671 with cysteine.
Molecular consequence: missense variant.
Genome position (GRCh38, 1-based): chr8:143,924,918, G>A on the plus strand (C>T on the coding strand, the complement: PLEC is on the minus strand). VCF-style: chr8-143924918-G-A. GRCh37 (hg19) VCF-style: chr8-144999086-G-A.
Other names: c.5092C>T, p.Arg1698Cys (NM_000445.5); c.4969C>T, p.Arg1657Cys (NM_201378.4); c.4945C>T, p.Arg1649Cys (NM_201379.3); c.5422C>T, p.Arg1808Cys (NM_201380.4); c.4915C>T, p.Arg1639Cys (NM_201381.3); c.5011C>T, p.Arg1671Cys (NM_201382.4); c.5023C>T, p.Arg1675Cys (NM_201383.3); short protein forms R1649C, R1657C, R1675C, R1671C, R1808C, R1698C, R1639C.
Identifiers: ClinVar variation 963468 (VCV000963468.8), dbSNP rs782189427, ClinGen allele CA4926465.
Genomic context (GRCh38, chr8:143,924,918, plus strand): 5'-CAGCCAGCTCCCGCTGCCGGACGGCCTGCTCCTCCGCCTTGCCGCGCCGCCGCGCCTCGC[G>A]CTCCGCCTCCTCCTTCTGCTTCTCAGCCTCGGCCTGCGCCAGGCTCTTCTGCTGCGCCAC-3'
Protein context (NP_958786.1, residues 1661-1681): EAEKQKEEAE[Arg1671Cys]EARRRGKAEE